The following is an entry in ClinVar:

ClinVar aggregate classification (germline): Uncertain significance. Review status: criteria provided, multiple submitters, no conflicts (2 of 4 stars). 5 submissions from 5 submitters: Uncertain significance (5). Last evaluated 2026-03-26.

Conditions:
Cardiovascular phenotype. Identifiers: MedGen CN230736.
Cardiomyopathy (CMYO). Also called: Cardiomyopathies. Identifiers: Orphanet 167848, MedGen C0878544, MONDO:0004994, HP:0001638. Inheritance: Various modes of inheritance.
Arrhythmogenic right ventricular dysplasia 9 (ARVD9). Also called: Arrhythmogenic Right Ventricular Dysplasia/Cardiomyopathy 9; ARRHYTHMOGENIC RIGHT VENTRICULAR DYSPLASIA, FAMILIAL, 9. Identifiers: MedGen C1836906, MONDO:0012180, OMIM 609040.
Arrhythmogenic right ventricular cardiomyopathy (ARVD). Also called: Arrhythmogenic cardiomyopathy; Arrhythmogenic Right Ventricular Cardiomyopathy (ARVC); Cardiomyopathy, ARVC; Arrhythmogenic right ventricular dysplasia. Identifiers: Orphanet 247, MedGen C0349788, MeSH D019571, MONDO:0016587. Disease mechanism: loss of function. Inheritance: Various modes of inheritance.

Allele frequency attached by ClinVar (database versions not stated): 1000 Genomes Project 30x 0.00031; TOPMed 0.00001.
gnomAD v4.1: 90 of 1,614,046 alleles (0.0056%); highest among the groups gnomAD compares: Admixed American, 0.0083%; no homozygotes.

Submissions (5):

Ambry Genetics
Classification: Uncertain significance for Cardiovascular phenotype. Last evaluated: 2026-03-26. Review status: criteria provided, single submitter. Criteria: Ambry Variant Classification Scheme 2023. Collection method: clinical testing. Allele origin: germline.
Comment: The c.2431C>T (p.R811C) alteration is located in exon 12 (coding exon 12) of the PKP2 gene. This alteration results from a C to T substitution at nucleotide position 2431, causing the arginine (R) at amino acid position 811 to be replaced by a cysteine (C). Based on data from gnomAD, the T allele has an overall frequency of 0.003% (8/282840) total alleles studied. The highest observed frequency was 0.011% (4/35440) of Latino alleles. Based on insufficient or conflicting evidence, the clinical significance of this alteration remains unclear.

Labcorp Genetics (formerly Invitae), Labcorp
Classification: Uncertain significance for Arrhythmogenic right ventricular dysplasia 9. Last evaluated: 2025-12-17. Review status: criteria provided, single submitter. Criteria: Invitae Variant Classification Sherloc (09022015). Collection method: clinical testing. Allele origin: germline.
Comment: This sequence change replaces arginine, which is basic and polar, with cysteine, which is neutral and slightly polar, at codon 811 of the PKP2 protein (p.Arg811Cys). This variant is present in population databases (rs139734328, gnomAD 0.006%). This missense change has been observed in individual(s) with clinical features of PKP2-related conditions (PMID: 34008892). ClinVar contains an entry for this variant (Variation ID: 533033). An algorithm developed to predict the effect of missense changes on protein structure and function (PolyPhen-2) suggests that this variant is likely to be disruptive. In summary, the available evidence is currently insufficient to determine the role of this variant in disease. Therefore, it has been classified as a Variant of Uncertain Significance.

Color Diagnostics, LLC DBA Color Health
Classification: Uncertain significance for Cardiomyopathy. Last evaluated: 2024-05-13. Review status: criteria provided, single submitter. Criteria: ACMG Guidelines, 2015. Collection method: clinical testing. Allele origin: germline.
Comment: This missense variant replaces arginine with cysteine at codon 811 of the PKP2 protein. Computational prediction suggests that this variant may not impact protein structure and function (internally defined REVEL score threshold <= 0.5, PMID: 27666373). To our knowledge, functional studies have not been reported for this variant. This variant has not been reported in individuals affected with PKP2-related disorders in the literature. This variant has been identified in 8/282840 chromosomes in the general population by the Genome Aggregation Database (gnomAD). The available evidence is insufficient to determine the role of this variant in disease conclusively. Therefore, this variant is classified as a Variant of Uncertain Significance.

All of Us Research Program, National Institutes of Health
Classification: Uncertain significance for Arrhythmogenic right ventricular cardiomyopathy. Last evaluated: 2023-11-20. Review status: criteria provided, single submitter. Criteria: ACMG Guidelines, 2015. Collection method: clinical testing. Allele origin: germline. Inheritance: Autosomal dominant inheritance. Observed: 5 variant alleles, 5 heterozygotes.
Comment: This missense variant replaces arginine with cysteine at codon 811 of the PKP2 protein. Computational prediction tools and conservation analyses are inconclusive regarding the impact of this variant on the protein function. Computational splicing tools suggest that this variant may not impact RNA splicing. To our knowledge, functional assays have not been performed for this variant nor has this variant been reported in individuals affected with cardiovascular disorders in the literature. This variant has been identified in 8/282840 chromosomes in the general population by the Genome Aggregation Database (gnomAD). Available evidence is insufficient to determine the role of this variant in disease conclusively. Therefore, this variant is classified as a Variant of Uncertain Significance.

This study involves interpretation of variants in research participants for the purpose of population health screening. Participant phenotype was not available at the time of variant classification. Additional details can be found in publication PMID: 35346344, PMCID: PMC8962531

Fulgent Genetics
Classification: Uncertain significance for Arrhythmogenic right ventricular dysplasia 9. Last evaluated: 2021-09-15. Review status: criteria provided, single submitter. Criteria: ACMG Guidelines, 2015. Collection method: clinical testing. Allele origin: unknown.

Literature cited by the submitters: PubMed 34008892 (cited by Labcorp Genetics (formerly Invitae), Labcorp).

NM_001005242.3(PKP2):c.2299C>T (p.Arg767Cys)

Gene: PKP2 (plakophilin 2; minus strand). Cytogenetic location: 12p11.21.
Variant type: single nucleotide variant.
Coding change: c.2299C>T on transcript NM_001005242.3 (MANE Select); coding-DNA position 2299, C replaced by T.
Protein change: p.Arg767Cys; replaces arginine 767 with cysteine.
Molecular consequence: missense variant.
Genome position (GRCh38, 1-based): chr12:32,796,167, G>A on the plus strand (C>T on the coding strand, the complement: PKP2 is on the minus strand). VCF-style: chr12-32796167-G-A. GRCh37 (hg19) VCF-style: chr12-32949101-G-A.
Other names: c.2431C>T, p.Arg811Cys (NM_004572.4); short protein forms R811C, R767C.
Identifiers: ClinVar variation 533033 (VCV000533033.18), dbSNP rs139734328, ClinGen allele CA035131.
Genomic context (GRCh38, chr12:32,796,167, plus strand): 5'-ACGCATCGCCTGCACTAATGGCCATAATTTTCTGGATGCCCCCGGTGTTTAGAAGGTCGC[G>A]TGCATTCTGGTAACTGTTTTGGATTATGTTGTTCAATGTGTAACAGGCAGAGGCTGTAGT-3'
Protein context (NP_001005242.2, residues 757-777): NIIQNSYQNA[Arg767Cys]DLLNTGGIQK